The following is an entry in ClinVar:

ClinVar aggregate classification (germline): Uncertain significance. Review status: criteria provided, multiple submitters, no conflicts (2 of 4 stars). 4 submissions from 4 submitters: Uncertain significance (4). Last evaluated 2025-03-11.

Conditions:
Cardiovascular phenotype. Identifiers: MedGen CN230736.
Long QT syndrome (LQTS). Identifiers: MedGen C0023976, MeSH D008133, MONDO:0002442. Disease mechanism: loss of function. Inheritance: Various modes of inheritance.

Submissions (4):

GeneDx
Classification: Uncertain significance. Last evaluated: 2025-03-11. Review status: criteria provided, single submitter. Criteria: GeneDx Variant Classification Process June 2021. Collection method: clinical testing. Allele origin: germline. Affected: yes.
Comment: Not observed at significant frequency in large population cohorts (gnomAD); In silico analysis supports that this missense variant has a deleterious effect on protein structure/function; Has not been previously published as pathogenic or benign to our knowledge

All of Us Research Program, National Institutes of Health
Classification: Uncertain significance for Long QT syndrome. Last evaluated: 2024-08-30. Review status: criteria provided, single submitter. Criteria: ACMG Guidelines, 2015. Collection method: clinical testing. Allele origin: germline. Inheritance: Autosomal dominant inheritance. Observed: 1 variant allele, 1 heterozygote.
Comment: This study involves interpretation of variants in research participants for the purpose of population health screening. Participant phenotype was not available at the time of variant classification. Additional details can be found in publication PMID: 35346344, PMCID: PMC8962531

Ambry Genetics
Classification: Uncertain significance for Cardiovascular phenotype. Last evaluated: 2023-12-06. Review status: criteria provided, single submitter. Criteria: Ambry Variant Classification Scheme 2023. Collection method: clinical testing. Allele origin: germline.
Comment: The p.I458F variant (also known as c.1372A>T), located in coding exon 6 of the KCNH2 gene, results from an A to T substitution at nucleotide position 1372. The isoleucine at codon 458 is replaced by phenylalanine, an amino acid with highly similar properties. This amino acid position is well conserved in available vertebrate species. In addition, the in silico prediction for this alteration is inconclusive. Since supporting evidence is limited at this time, the clinical significance of this alteration remains unclear.

Labcorp Genetics (formerly Invitae), Labcorp
Classification: Uncertain significance for Long QT syndrome. Last evaluated: 2023-08-25. Review status: criteria provided, single submitter. Criteria: Invitae Variant Classification Sherloc (09022015). Collection method: clinical testing. Allele origin: germline.
Comment: ClinVar contains an entry for this variant (Variation ID: 456887). This variant has not been reported in the literature in individuals affected with KCNH2-related conditions. This variant is not present in population databases (gnomAD no frequency). This sequence change replaces isoleucine, which is neutral and non-polar, with phenylalanine, which is neutral and non-polar, at codon 458 of the KCNH2 protein (p.Ile458Phe). An algorithm developed to predict the effect of missense changes on protein structure and function (PolyPhen-2) suggests that this variant is likely to be disruptive. In summary, the available evidence is currently insufficient to determine the role of this variant in disease. Therefore, it has been classified as a Variant of Uncertain Significance.

NM_000238.4(KCNH2):c.1372A>T (p.Ile458Phe)

Gene: KCNH2 (potassium voltage-gated channel subfamily H member 2; minus strand). Cytogenetic location: 7q36.1.
Variant type: single nucleotide variant.
Coding change: c.1372A>T on transcript NM_000238.4 (MANE Select); coding-DNA position 1372, A replaced by T.
Protein change: p.Ile458Phe; replaces isoleucine 458 with phenylalanine.
Molecular consequence: missense variant.
Genome position (GRCh38, 1-based): chr7:150,952,610, T>A on the plus strand (A>T on the coding strand, the complement: KCNH2 is on the minus strand). VCF-style: chr7-150952610-T-A. GRCh37 (hg19) VCF-style: chr7-150649698-T-A.
Other names: c.1372A>T (NM_000238.2); c.352A>T, p.Ile118Phe (NM_001204798.2, NM_172057.3); c.1084A>T, p.Ile362Phe (NM_001406753.1, NM_001406756.1); c.1195A>T, p.Ile399Phe (NM_001406755.1); c.1072A>T, p.Ile358Phe (NM_001406757.1); c.1372A>T, p.Ile458Phe (NM_172056.3); short protein forms I458F, I118F, I358F, I362F, I399F.
Identifiers: ClinVar variation 456887 (VCV000456887.12), dbSNP rs374303744, ClinGen allele CA169077521.